The following is an entry in ClinVar:

ClinVar aggregate classification (germline): Pathogenic (1 of 4 stars; one submission).

Conditions:
Asphyxiating thoracic dystrophy 3. Also called: SHORT-RIB THORACIC DYSPLASIA 3 WITH OR WITHOUT POLYDACTYLY; POLYDACTYLY WITH NEONATAL CHONDRODYSTROPHY, TYPE I; SHORT-RIB THORACIC DYSPLASIA 3/6 WITH POLYDACTYLY, DIGENIC; Short rib polydactyly syndrome 2B; Saldino-Noonan Syndrome. Identifiers: Orphanet 474, Orphanet 93269, Orphanet 93270, Orphanet 93271, MedGen C0036069, MONDO:0013127, OMIM 613091.

Submission:

Myriad Genetics, Inc.
Classification: Pathogenic for Asphyxiating thoracic dystrophy 3. Last evaluated: 2026-02-26. Review status: criteria provided, single submitter. Criteria: Myriad Autosomal Dominant, Autosomal Recessive and X-Linked Classification Criteria (2023). Collection method: clinical testing. Allele origin: unknown.
Comment: NM_001377.2(DYNC2H1):c.10140delA(P3381Rfs*24) is expected to be pathogenic in the context of DYNC2H1-related disorders. This variant is predicted to lead to an abnormal or absent protein product due to the creation of a premature termination codon in DYNC2H1, a gene where loss-of-function variants are known to be pathogenic. Please note: this variant was assessed in the context of healthy population screening.

NM_001377.3(DYNC2H1):c.10140del (p.Pro3381fs)

Gene: DYNC2H1 (dynein cytoplasmic 2 heavy chain 1; plus strand). Cytogenetic location: 11q22.3.
Variant type: Deletion.
Coding change: c.10140del on transcript NM_001377.3 (MANE Select); coding-DNA position 10140, one base deleted (A; older notation c.10140delA).
Protein change: p.Pro3381fs; shifts the reading frame from proline 3381.
Molecular consequence: frameshift variant.
Genome position (GRCh38, 1-based): chr11:103,253,382, A deleted. VCF-style (leftmost placement, unchanged base first): chr11-103253381-CA-C. GRCh37 (hg19) VCF-style: chr11-103124110-CA-C.
Other names: c.10161del, p.Pro3388fs (NM_001080463.2); short protein forms P3381fs, P3388fs.
Identifiers: ClinVar variation 5015614 (VCV005015614.1).